The following is an entry in ClinVar:

ClinVar aggregate classification (germline): Uncertain significance. Review status: criteria provided, multiple submitters, no conflicts (2 of 4 stars). 2 submissions from 2 submitters: Uncertain significance (2). Last evaluated 2025-10-29.

Conditions:
Dilated Cardiomyopathy, Recessive.

Allele frequency attached by ClinVar (database versions not stated): gnomAD 0.00001 and 0.00002; TOPMed 0.00002; gnomAD exomes 0.00001.
gnomAD v4.1: 13 of 1,537,170 alleles (0.00085%); highest among the groups gnomAD compares: African/African-American, 0.012%; no homozygotes.

Submissions (2):

Ambry Genetics
Classification: Uncertain significance. Last evaluated: 2025-10-29. Review status: criteria provided, single submitter. Criteria: Ambry Variant Classification Scheme 2023. Collection method: clinical testing. Allele origin: germline.

Labcorp Genetics (formerly Invitae), Labcorp
Classification: Uncertain significance. Last evaluated: 2024-11-26. Review status: criteria provided, single submitter. Criteria: Invitae Variant Classification Sherloc (09022015). Collection method: clinical testing. Allele origin: germline.
Comment: This sequence change replaces alanine, which is neutral and non-polar, with threonine, which is neutral and polar, at codon 339 of the PLEKHM2 protein (p.Ala339Thr). This variant is not present in population databases (gnomAD no frequency). This variant has not been reported in the literature in individuals affected with PLEKHM2-related conditions. ClinVar contains an entry for this variant (Variation ID: 1504961). An algorithm developed to predict the effect of missense changes on protein structure and function outputs the following: PolyPhen-2: "Benign". The threonine amino acid residue is found in multiple mammalian species, which suggests that this missense change does not adversely affect protein function. In summary, the available evidence is currently insufficient to determine the role of this variant in disease. Therefore, it has been classified as a Variant of Uncertain Significance.

NM_015164.4(PLEKHM2):c.1015G>A (p.Ala339Thr)

Gene: PLEKHM2 (pleckstrin homology and RUN domain containing M2; plus strand). Cytogenetic location: 1p36.21.
Variant type: single nucleotide variant.
Coding change: c.1015G>A on transcript NM_015164.4 (MANE Select); coding-DNA position 1015, G replaced by A.
Protein change: p.Ala339Thr; replaces alanine 339 with threonine.
Molecular consequence: missense variant.
Genome position (GRCh38, 1-based): chr1:15,727,087, G>A. VCF-style: chr1-15727087-G-A. GRCh37 (hg19) VCF-style: chr1-16053582-G-A.
Other names: c.1015G>A (NM_015164.2); short protein forms A339T.
Identifiers: ClinVar variation 1504961 (VCV001504961.8), dbSNP rs1047914096, ClinGen allele CA18299013.